The following is an entry in ClinVar:

ClinVar aggregate classification (germline): Likely benign (1 of 4 stars; one submission).

Allele frequency attached by ClinVar (database versions not stated): TOPMed 0.00002; gnomAD 0.00001; gnomAD exomes 0.00001.
gnomAD v4.1: 13 of 1,613,994 alleles (0.00081%); highest among the groups gnomAD compares: South Asian, 0.0011%; no homozygotes.

Submission:

CeGaT Center for Human Genetics Tuebingen
Classification: Likely benign. Last evaluated: 2023-10-01. Review status: criteria provided, single submitter. Criteria: CeGaT Center For Human Genetics Tuebingen Variant Classification Criteria Version 2. Collection method: clinical testing. Allele origin: germline. Affected: yes. Observed: 1 variant allele.
Comment: ABCD4: BP4, BP7

NM_005050.4(ABCD4):c.1236C>T (p.Ser412=)

Gene: ABCD4 (ATP binding cassette subfamily D member 4; minus strand). Cytogenetic location: 14q24.3.
Variant type: single nucleotide variant.
Coding change: c.1236C>T on transcript NM_005050.4 (MANE Select); coding-DNA position 1236, C replaced by T.
Protein change: p.Ser412=; no amino-acid change (serine 412 retained).
Molecular consequence: synonymous variant. On other transcripts: non-coding transcript variant (10).
Genome position (GRCh38, 1-based): chr14:74,290,382, G>A on the plus strand (C>T on the coding strand, the complement: ABCD4 is on the minus strand). VCF-style: chr14-74290382-G-A. GRCh37 (hg19) VCF-style: chr14-74757085-G-A.
Other names: c.822C>T, p.Ser274= (NM_001353596.2, NM_001353595.2); c.1110C>T, p.Ser370= (NM_001353591.2, NM_001353592.2); c.975C>T, p.Ser325= (NM_001353593.2); c.924C>T, p.Ser308= (NM_001353594.2); c.759C>T, p.Ser253= (NM_001353601.2, NM_001353598.2, NM_001353599.2 and 2 more transcripts); c.447C>T, p.Ser149= (NM_001353602.2, NM_001353603.2, NM_001353604.2 and 6 more transcripts); c.771C>T, p.Ser257= (NM_001353597.2); c.1107C>T, p.Ser369= (NM_020323.1); and 1 more.
Identifiers: ClinVar variation 2644368 (VCV002644368.24), dbSNP rs201164224, ClinGen allele CA263583374.